The following is an entry in ClinVar:

NM_006019.4(TCIRG1):c.128C>T (p.Ser43Leu)

Gene: TCIRG1 (T cell immune regulator 1, ATPase H+ transporting V0 subunit a3; plus strand). Cytogenetic location: 11q13.2.
Variant type: single nucleotide variant.
Coding change: c.128C>T on transcript NM_006019.4 (MANE Select); coding-DNA position 128, C replaced by T.
Protein change: p.Ser43Leu; replaces serine 43 with leucine.
Molecular consequence: missense variant. On other transcripts: 5 prime UTR variant (1).
Genome position (GRCh38, 1-based): chr11:68,041,763, C>T. VCF-style: chr11-68041763-C-T. GRCh37 (hg19) VCF-style: chr11-67809230-C-T.
Other names: c.128C>T (NM_006019.3); c.-1122C>T (NM_001351059.2); short protein forms S43L.
Identifiers: ClinVar variation 2195769 (VCV002195769.3), dbSNP rs1855180391, ClinGen allele CA381574330.

ClinVar aggregate classification (germline): Uncertain significance. Review status: criteria provided, multiple submitters, no conflicts (2 of 4 stars). 2 submissions from 2 submitters: Uncertain significance (2). Last evaluated 2025-12-08.

Conditions:
Inborn genetic diseases. Identifiers: MedGen C0950123, MeSH D030342.

gnomAD v4.1: 6 of 1,609,130 alleles (0.00037%); highest among the groups gnomAD compares: East Asian, 0.0022%; no homozygotes.

Submissions (2):

Labcorp Genetics (formerly Invitae), Labcorp
Classification: Uncertain significance. Last evaluated: 2025-12-08. Review status: criteria provided, single submitter. Criteria: Invitae Variant Classification Sherloc (09022015). Collection method: clinical testing. Allele origin: germline.
Comment: This sequence change replaces serine, which is neutral and polar, with leucine, which is neutral and non-polar, at codon 43 of the TCIRG1 protein (p.Ser43Leu). This variant is not present in population databases (gnomAD no frequency). This variant has not been reported in the literature in individuals affected with TCIRG1-related conditions. ClinVar contains an entry for this variant (Variation ID: 2195769). Invitae Evidence Modeling of protein sequence and biophysical properties (such as structural, functional, and spatial information, amino acid conservation, physicochemical variation, residue mobility, and thermodynamic stability) has been performed for this missense variant. However, the output from this modeling did not meet the statistical confidence thresholds required to predict the impact of this variant on TCIRG1 protein function. In summary, the available evidence is currently insufficient to determine the role of this variant in disease. Therefore, it has been classified as a Variant of Uncertain Significance.

Ambry Genetics
Classification: Uncertain significance for Inborn genetic diseases. Last evaluated: 2025-03-01. Review status: criteria provided, single submitter. Criteria: Ambry Variant Classification Scheme 2023. Collection method: clinical testing. Allele origin: germline.